The following is an entry in ClinVar:

ClinVar aggregate classification (germline): Conflicting classifications of pathogenicity. Review status: criteria provided, conflicting classifications (1 of 4 stars). 5 submissions from 5 submitters: Uncertain significance (2); Likely benign (1). 2 of the submissions do not count toward it. Last evaluated 2022-06-21.

Conditions:
Cardiovascular phenotype. Identifiers: MedGen CN230736.

Allele frequency attached by ClinVar (database versions not stated): TOPMed below 0.00001; gnomAD 0.00003.
gnomAD v4.1: 50 of 1,614,098 alleles (0.0031%); highest among the groups gnomAD compares: Non-Finnish European, 0.0042%; no homozygotes.

Submissions (5):

Blueprint Genetics
Classification: Likely benign. Last evaluated: 2022-06-21. Review status: criteria provided, single submitter. Criteria: ACMG Guidelines, 2015. Collection method: clinical testing. Allele origin: germline.

Ambry Genetics
Classification: Uncertain significance for Cardiovascular phenotype. Last evaluated: 2019-12-13. Review status: criteria provided, single submitter. Criteria: Ambry Variant Classification Scheme 2023. Collection method: clinical testing. Allele origin: germline.
Comment: The p.R220Q variant (also known as c.659G>A), located in coding exon 4 of the TTN gene, results from a G to A substitution at nucleotide position 659. The arginine at codon 220 is replaced by glutamine, an amino acid with highly similar properties. This amino acid position is well conserved in available vertebrate species. In addition, this alteration is predicted to be tolerated by in silico analysis. Since supporting evidence is limited at this time, the clinical significance of this alteration remains unclear.

GeneDx
Classification: Uncertain significance. Last evaluated: 2013-12-13. Review status: criteria provided, single submitter. Criteria: GeneDx Variant Classification (06012015). Collection method: clinical testing. Allele origin: germline. Affected: yes.
Comment: Missense variants in the TTN gene are considered 'unclassified' if they are not previously reported in the literature and do not have >1% frequency in the population to be considered a polymorphism. Research indicates that truncating mutations in the TTN gene are expected to account for approximately 25% of familial and 18% of sporadic idiopathic DCM; however, truncating variants in the TTN gene have been reported in approximately 3% of reported control alleles. There has been little investigation into non-truncating variants. (Herman D et al. Truncations of titin causing dilated cardiomyopathy. N Eng J Med 366:619-628, 2012) The variant is found in DCM-CRDM panel(s).

Clinical Genetics DNA and cytogenetics Diagnostics Lab, Erasmus MC, Erasmus Medical Center
Classification: Uncertain significance. Review status: no assertion criteria provided. Collection method: clinical testing. Allele origin: germline. Affected: yes. Study: VKGL Data-share Consensus. Not counted in ClinVar's aggregate classification.

Clinical Genetics, Academic Medical Center
Classification: Uncertain significance. Review status: no assertion criteria provided. Collection method: clinical testing. Allele origin: germline. Affected: yes. Study: VKGL Data-share Consensus. Not counted in ClinVar's aggregate classification.

NM_001267550.2(TTN):c.659G>A (p.Arg220Gln)

Gene: TTN (titin; minus strand). Cytogenetic location: 2q31.2.
Variant type: single nucleotide variant.
Coding change: c.659G>A on transcript NM_001267550.2 (MANE Select); coding-DNA position 659, G replaced by A.
Protein change: p.Arg220Gln; replaces arginine 220 with glutamine.
Molecular consequence: missense variant.
Genome position (GRCh38, 1-based): chr2:178,799,835, C>T on the plus strand (G>A on the coding strand, the complement: TTN is on the minus strand). VCF-style: chr2-178799835-C-T. GRCh37 (hg19) VCF-style: chr2-179664562-C-T.
Other names: p.R220Q:CGA>CAA; c.659G>A, p.Arg220Gln (NM_003319.4, NM_133378.4, NM_133379.5 and 3 more transcripts); short protein forms R220Q.
Identifiers: ClinVar variation 203287 (VCV000203287.8), dbSNP rs794729621, ClinGen allele CA311925.
Genomic context (GRCh38, chr2:178,799,835, plus strand): 5'-GGGGACGCAACAGCCTGAAAGGCTTGAAAACCAACAGTATAGAAAAATACCTTTTCAATT[C>T]GGGTTTGTCTTGATTCTGAGATCTGAGCAGTCGAAACAATTGTCTTTGTCTTTTTAGCAG-3'
Protein context (NP_001254479.2, residues 210-230): TAQISESRQT[Arg220Gln]IEKKIEAHFD